The following is an entry in ClinVar:

ClinVar aggregate classification (germline): Uncertain significance. Review status: criteria provided, multiple submitters, no conflicts (2 of 4 stars). 2 submissions from 2 submitters: Uncertain significance (2). Last evaluated 2024-09-18.

Allele frequency attached by ClinVar (database versions not stated): TOPMed below 0.00001; gnomAD 0.00001; gnomAD exomes 0.00001.
gnomAD v4.1: 19 of 1,607,940 alleles (0.0012%); highest among the groups gnomAD compares: Non-Finnish European, 0.0015%; no homozygotes.

Submissions (2):

Mayo Clinic Laboratories, Mayo Clinic
Classification: Uncertain significance. Last evaluated: 2024-09-18. Review status: criteria provided, single submitter. Criteria: ACMG Guidelines, 2015. Collection method: clinical testing. Allele origin: germline. Observed: 1 variant allele.
Comment: BP4

Eurofins Ntd Llc (ga)
Classification: Uncertain significance. Last evaluated: 2017-01-12. Review status: criteria provided, single submitter. Criteria: EGL Classification Definitions 2015. Collection method: clinical testing. Allele origin: germline. Observed: 1 variant allele, 1 heterozygote.

NM_001267550.2(TTN):c.84478A>C (p.Thr28160Pro)

Genes: TTN (titin; minus strand), TTN-AS1 (TTN antisense RNA 1; plus strand). Cytogenetic location: 2q31.2.
Variant type: single nucleotide variant.
Coding change: c.84478A>C on transcript NM_001267550.2 (MANE Select); coding-DNA position 84478, A replaced by C.
Protein change: p.Thr28160Pro; replaces threonine 28160 with proline.
Molecular consequence: missense variant.
Genome position (GRCh38, 1-based): chr2:178,561,654, T>G on the plus strand (A>C on the coding strand, the complement: TTN is on the minus strand). VCF-style: chr2-178561654-T-G. GRCh37 (hg19) VCF-style: chr2-179426381-T-G.
Other names: p.Thr25592Pro; c.79555A>C, p.Thr26519Pro (NM_001256850.1); c.57283A>C, p.Thr19095Pro (NM_003319.4); c.76774A>C, p.Thr25592Pro (NM_133378.4); c.57658A>C, p.Thr19220Pro (NM_133432.3); c.57859A>C, p.Thr19287Pro (NM_133437.4); short protein forms T25592P, T28160P, T19220P, T19287P, T26519P, T19095P.
Identifiers: ClinVar variation 499639 (VCV000499639.6), dbSNP rs985003893, ClinGen allele CA60985121.
Genomic context (GRCh38, chr2:178,561,654, plus strand): 5'-TAACTGGCACTTGCCAGGTTACAAGCATGGTAGATTTTGTGGCATGCACAACTTTAGGAG[T>G]ACCAGGAGGACCTGGGGGACTGAATGGATACTCTGCAACAACAGCTGAAGATTCACTGTA-3'
Protein context (NP_001254479.2, residues 28150-28170): YPFSPPGPPG[Thr28160Pro]PKVVHATKST